The following is an entry in ClinVar:

NM_001001344.3(ATP2B3):c.3547A>T (p.Asn1183Tyr)

Gene: ATP2B3 (ATPase plasma membrane Ca2+ transporting 3; plus strand). Cytogenetic location: Xq28.
Variant type: single nucleotide variant.
Coding change: c.3547A>T on transcript NM_001001344.3 (MANE Select); coding-DNA position 3547, A replaced by T.
Protein change: p.Asn1183Tyr; replaces asparagine 1183 with tyrosine.
Molecular consequence: missense variant. On other transcripts: 3 prime UTR variant (2).
Genome position (GRCh38, 1-based): chrX:153,580,182, A>T. VCF-style: chrX-153580182-A-T. GRCh37 (hg19) VCF-style: chrX-152845640-A-T.
Other names: c.*179A>T (NM_001388360.1, NM_021949.4); c.3547A>T, p.Asn1183Tyr (NM_001388361.1); short protein forms N1183Y.
Identifiers: ClinVar variation 3066350 (VCV003066350.1), dbSNP rs782774793, ClinGen allele CA10548288.
Genomic context (GRCh38, chrX:153,580,182, plus strand): 5'-GACGTGGACGAGAACGAGGAGCGCCTCCGGGCCCCCCCGCCCCCGTCCCCCAACCAGAAC[A>T]ACAACGCCATAGACAGCGGCATCTACCTGACCACGCATGTCACCAAGTCAGCTACCTCTT-3'
Protein context (NP_001001344.1, residues 1173-1193): APPPPSPNQN[Asn1183Tyr]NAIDSGIYLT

ClinVar aggregate classification (germline): Uncertain significance (1 of 4 stars; one submission).

Conditions:
X-linked progressive cerebellar ataxia. Also called: OLIVOPONTOCEREBELLAR ATROPHY, X-LINKED; OPCA, X-LINKED; Spinocerebellar ataxia, X-linked 1. Identifiers: Orphanet 1175, MedGen C0796205, MONDO:0010547, OMIM 302500.

Allele frequency attached by ClinVar (database versions not stated): ExAC 0.00001; gnomAD 0.00001; gnomAD exomes 0.00001.
gnomAD v4.1: 5 of 888,789 alleles (0.00056%); highest among the groups gnomAD compares: Non-Finnish European, 0.00076%; no homozygotes.

Submission:

MVZ Medizinische Genetik Mainz
Classification: Uncertain significance for X-linked progressive cerebellar ataxia. Last evaluated: 2023-11-08. Review status: criteria provided, single submitter. Criteria: UK Practice Guidelines For Variant Classification V4 01 2020. Collection method: clinical testing. Allele origin: germline. Inheritance: X-linked dominant inheritance. Affected: yes. Observed: 1 variant allele.
Comment: ACMG Criteria: PM2_SUP,PP3